The following is an entry in ClinVar:

ClinVar aggregate classification (germline): Uncertain significance (1 of 4 stars; one submission).

Conditions:
Hereditary sensory and autonomic neuropathy type 7. Also called: HSAN VII; Neuropathy, hereditary sensory and autonomic, type VII. Identifiers: Orphanet 391397, MedGen C3809882, MONDO:0014244, OMIM 615548.
Familial episodic pain syndrome with predominantly lower limb involvement. Also called: Episodic pain syndrome, familial, 3. Identifiers: Orphanet 391384, Orphanet 391392, MedGen C3809899, MONDO:0014247, OMIM 615552.

Allele frequency attached by ClinVar (database versions not stated): ExAC 0.00001; gnomAD 0.00001; TOPMed 0.00002.
gnomAD v4.1: 1 of 1,613,984 alleles (0.000062%); highest among the groups gnomAD compares: African/African-American, 0.0013%; no homozygotes.

Submission:

Labcorp Genetics (formerly Invitae), Labcorp
Classification: Uncertain significance for Familial episodic pain syndrome with predominantly lower limb involvement; Hereditary sensory and autonomic neuropathy type 7. Last evaluated: 2022-02-19. Review status: criteria provided, single submitter. Criteria: Invitae Variant Classification Sherloc (09022015). Collection method: clinical testing. Allele origin: germline.
Comment: This variant is present in population databases (rs778447109, gnomAD 0.007%). In summary, the available evidence is currently insufficient to determine the role of this variant in disease. Therefore, it has been classified as a Variant of Uncertain Significance. Algorithms developed to predict the effect of missense changes on protein structure and function output the following: SIFT: "Tolerated"; PolyPhen-2: "Benign"; Align-GVGD: "Class C0". The valine amino acid residue is found in multiple mammalian species, which suggests that this missense change does not adversely affect protein function. This variant has not been reported in the literature in individuals affected with SCN11A-related conditions. This sequence change replaces isoleucine, which is neutral and non-polar, with valine, which is neutral and non-polar, at codon 1685 of the SCN11A protein (p.Ile1685Val).

NM_001349253.2(SCN11A):c.5053A>G (p.Ile1685Val)

Gene: SCN11A (sodium voltage-gated channel alpha subunit 11; minus strand). Cytogenetic location: 3p22.2.
Variant type: single nucleotide variant.
Coding change: c.5053A>G on transcript NM_001349253.2 (MANE Select); coding-DNA position 5053, A replaced by G.
Protein change: p.Ile1685Val; replaces isoleucine 1685 with valine.
Molecular consequence: missense variant.
Genome position (GRCh38, 1-based): chr3:38,847,017, T>C on the plus strand (A>G on the coding strand, the complement: SCN11A is on the minus strand). VCF-style: chr3-38847017-T-C. GRCh37 (hg19) VCF-style: chr3-38888508-T-C.
Other names: c.5053A>G, p.Ile1685Val (NM_014139.3); short protein forms I1685V.
Identifiers: ClinVar variation 2186937 (VCV002186937.4), dbSNP rs778447109, ClinGen allele CA2321411.